The following is an entry in ClinVar:

ClinVar aggregate classification (germline): Likely benign. Review status: criteria provided, single submitter (1 of 4 stars). 2 submissions from 2 submitters: Likely benign (1). 1 of the submissions does not count toward it. Last evaluated 2019-05-09.

Conditions:
Alzheimer disease 3 (AD3). Also called: ALZHEIMER DISEASE, FAMILIAL, 3. Identifiers: Orphanet 1020, MedGen C1843013, MONDO:0011913, OMIM 607822.
Frontotemporal dementia (FTD1). Also called: Frontotemporal lobe dementia (FLDEM); FRONTOTEMPORAL DEMENTIA WITH PARKINSONISM; FRONTOTEMPORAL LOBE DEMENTIA; Dementia, frontotemporal, with or without parkinsonism; MULTIPLE SYSTEM TAUOPATHY WITH PRESENILE DEMENTIA; FRONTOTEMPORAL LOBAR DEGENERATION WITH TAU INCLUSIONS. Identifiers: Orphanet 282, MedGen C0338451, MONDO:0017276, OMIM 600274, HP:0002145.
Acne inversa, familial, 3 (ACNINV3). Identifiers: MedGen C3151038, MONDO:0013398, OMIM 613737.
Pick disease. Also called: PICK DISEASE OF BRAIN; Pick's disease; Pick Disease of the Brain; DEMENTIA WITH LOBAR ATROPHY AND NEURONAL CYTOPLASMIC INCLUSIONS; LOBAR ATROPHY OF BRAIN. Identifiers: Orphanet 282, MedGen C0236642, MONDO:0008243, OMIM 172700.
PSEN1-related disorder. Also called: PSEN1-related condition.

Allele frequency attached by ClinVar (database versions not stated): gnomAD exomes 0.00001; TOPMed 0.00001; ExAC 0.00002.
gnomAD v4.1: 14 of 1,611,838 alleles (0.00087%); highest among the groups gnomAD compares: Middle Eastern, 0.017%; no homozygotes.

Submissions (2):

Labcorp Genetics (formerly Invitae), Labcorp
Classification: Likely benign for Alzheimer disease 3; Pick disease; Acne inversa, familial, 3; Frontotemporal dementia. Last evaluated: 2019-05-09. Review status: criteria provided, single submitter. Criteria: Invitae Variant Classification Sherloc (09022015). Collection method: clinical testing. Allele origin: germline.

PreventionGenetics, part of Exact Sciences
Classification: Likely benign for PSEN1-related condition. Last evaluated: 2019-06-21. Review status: no assertion criteria provided. Collection method: clinical testing. Allele origin: germline. Not counted in ClinVar's aggregate classification.
Comment: This variant is classified as likely benign based on ACMG/AMP sequence variant interpretation guidelines (Richards et al. 2015 PMID: 25741868, with internal and published modifications).

NM_000021.4(PSEN1):c.798T>A (p.Gly266=)

Gene: PSEN1 (presenilin 1; plus strand). Cytogenetic location: 14q24.2.
Variant type: single nucleotide variant.
Coding change: c.798T>A on transcript NM_000021.4 (MANE Select); coding-DNA position 798, T replaced by A.
Protein change: p.Gly266=; no amino-acid change (glycine 266 retained).
Molecular consequence: synonymous variant.
Genome position (GRCh38, 1-based): chr14:73,198,059, T>A. VCF-style: chr14-73198059-T-A. GRCh37 (hg19) VCF-style: chr14-73664767-T-A.
Other names: c.786T>A, p.Gly262= (NM_007318.3); c.798T>A (NM_000021.3).
Identifiers: ClinVar variation 1122400 (VCV001122400.11), dbSNP rs752833058, ClinGen allele CA7256826.